The following is an entry in ClinVar:

ClinVar aggregate classification (germline): Likely benign (1 of 4 stars; one submission).

Conditions:
Familial cancer of breast. Also called: BREAST CANCER, FAMILIAL; Hereditary breast cancer; hereditary breast carcinoma. Identifiers: Orphanet 227535, MedGen C0346153, MONDO:0016419, OMIM 114480. Disease mechanism: loss of function.

Submission:

Myriad Genetics, Inc.
Classification: Likely benign for Familial cancer of breast. Last evaluated: 2024-04-30. Review status: criteria provided, single submitter. Criteria: Myriad Autosomal Dominant, Autosomal Recessive and X-Linked Classification Criteria (2023). Collection method: clinical testing. Allele origin: unknown.
Comment: This variant is considered likely benign. This variant is intronic and is not expected to impact mRNA splicing.

NM_000051.4(ATM):c.1607+8C>G

Gene: ATM (ATM serine/threonine kinase; plus strand). Cytogenetic location: 11q22.3.
Variant type: single nucleotide variant.
Coding change: c.1607+8C>G on transcript NM_000051.4 (MANE Select); 8 bases into the intron after coding-DNA position 1607, C replaced by G.
Molecular consequence: intron variant.
Genome position (GRCh38, 1-based): chr11:108,251,080, C>G. VCF-style: chr11-108251080-C-G. GRCh37 (hg19) VCF-style: chr11-108121807-C-G.
Other names: c.1607+8C>G (NM_001351834.2).
Identifiers: ClinVar variation 3254202 (VCV003254202.1), dbSNP rs2135328749.